The following is an entry in ClinVar:

NM_177438.3(DICER1):c.4414T>G (p.Phe1472Val)

Gene: DICER1 (dicer 1, ribonuclease III; minus strand). Cytogenetic location: 14q32.13.
Variant type: single nucleotide variant.
Coding change: c.4414T>G on transcript NM_177438.3 (MANE Select); coding-DNA position 4414, T replaced by G.
Protein change: p.Phe1472Val; replaces phenylalanine 1472 with valine.
Molecular consequence: missense variant.
Genome position (GRCh38, 1-based): chr14:95,096,506, A>C on the plus strand (T>G on the coding strand, the complement: DICER1 is on the minus strand). VCF-style: chr14-95096506-A-C. GRCh37 (hg19) VCF-style: chr14-95562843-A-C.
Other names: c.4414T>G (NM_177438.2); c.4414T>G, p.Phe1472Val (NM_001195573.1, NM_001271282.3, NM_001291628.2 and 1 more transcripts); short protein forms F1472V.
Identifiers: ClinVar variation 1000249 (VCV001000249.11), dbSNP rs763155602, ClinGen allele CA7330850.

ClinVar aggregate classification (germline): Uncertain significance. Review status: criteria provided, multiple submitters, no conflicts (2 of 4 stars). 2 submissions from 2 submitters: Uncertain significance (2). Last evaluated 2024-04-28.

Conditions:
DICER1-related tumor predisposition. Also called: DICER1 syndrome; DICER1-related pleuropulmonary blastoma cancer predisposition syndrome. Identifiers: Orphanet 284343, MedGen C3839822, MONDO:0100216.
Hereditary cancer-predisposing syndrome. Also called: Hereditary neoplastic syndrome; Neoplastic Syndromes, Hereditary; Tumor predisposition; Hereditary Cancer Syndrome. Identifiers: Orphanet 140162, MedGen C0027672, MeSH D009386, MONDO:0015356.

Allele frequency attached by ClinVar (database versions not stated): gnomAD exomes below 0.00001 and 0.00001; ExAC 0.00001.
gnomAD v4.1: 1 of 1,614,184 alleles (0.000062%); highest among the groups gnomAD compares: Admixed American, 0.0017%; no homozygotes.

Submissions (2):

Ambry Genetics
Classification: Uncertain significance for Hereditary cancer-predisposing syndrome. Last evaluated: 2024-04-28. Review status: criteria provided, single submitter. Criteria: Ambry Variant Classification Scheme 2023. Collection method: clinical testing. Allele origin: germline.
Comment: The p.F1472V variant (also known as c.4414T>G), located in coding exon 22 of the DICER1 gene, results from a T to G substitution at nucleotide position 4414. The phenylalanine at codon 1472 is replaced by valine, an amino acid with highly similar properties. This amino acid position is conserved. In addition, the in silico prediction for this alteration is inconclusive. Based on the available evidence, the clinical significance of this variant remains unclear.

Labcorp Genetics (formerly Invitae), Labcorp
Classification: Uncertain significance for DICER1-related tumor predisposition. Last evaluated: 2024-04-22. Review status: criteria provided, single submitter. Criteria: Invitae Variant Classification Sherloc (09022015). Collection method: clinical testing. Allele origin: germline.
Comment: This sequence change replaces phenylalanine, which is neutral and non-polar, with valine, which is neutral and non-polar, at codon 1472 of the DICER1 protein (p.Phe1472Val). This variant is present in population databases (rs763155602, gnomAD 0.006%). This variant has not been reported in the literature in individuals affected with DICER1-related conditions. ClinVar contains an entry for this variant (Variation ID: 1000249). An algorithm developed to predict the effect of missense changes on protein structure and function (PolyPhen-2) suggests that this variant is likely to be tolerated. In summary, the available evidence is currently insufficient to determine the role of this variant in disease. Therefore, it has been classified as a Variant of Uncertain Significance.